The following is an entry in ClinVar:

ClinVar aggregate classification (germline): Conflicting classifications of pathogenicity. Review status: criteria provided, conflicting classifications (1 of 4 stars). 3 submissions from 3 submitters: Uncertain significance (1); Benign (1); Likely benign (1). Last evaluated 2023-12-30.

Conditions:
Kleefstra syndrome 1 (KLEFS1). Identifiers: Orphanet 261494, MedGen C0795833, MONDO:0027407, OMIM 610253.
Inborn genetic diseases. Identifiers: MedGen C0950123, MeSH D030342.

Allele frequency attached by ClinVar (database versions not stated): gnomAD exomes 0.00001 and below 0.00001.
gnomAD v4.1: 2 of 1,612,924 alleles (0.00012%); highest among the groups gnomAD compares: Admixed American, 0.0033%; no homozygotes.

Submissions (3):

Labcorp Genetics (formerly Invitae), Labcorp
Classification: Benign for Kleefstra syndrome 1. Last evaluated: 2023-12-30. Review status: criteria provided, single submitter. Criteria: Invitae Variant Classification Sherloc (09022015). Collection method: clinical testing. Allele origin: germline.

GeneDx
Classification: Uncertain significance. Last evaluated: 2022-06-30. Review status: criteria provided, single submitter. Criteria: GeneDx Variant Classification Process June 2021. Collection method: clinical testing. Allele origin: germline. Affected: yes.
Comment: In silico analysis supports that this missense variant does not alter protein structure/function; Has not been previously published as pathogenic or benign to our knowledge

Ambry Genetics
Classification: Likely benign for Inborn genetic diseases. Last evaluated: 2020-01-22. Review status: criteria provided, single submitter. Criteria: Ambry Variant Classification Scheme 2023. Collection method: clinical testing. Allele origin: germline.

NM_024757.5(EHMT1):c.391G>C (p.Ala131Pro)

Gene: EHMT1 (euchromatic histone lysine methyltransferase 1; plus strand). Cytogenetic location: 9q34.3.
Variant type: single nucleotide variant.
Coding change: c.391G>C on transcript NM_024757.5 (MANE Select); coding-DNA position 391, G replaced by C.
Protein change: p.Ala131Pro; replaces alanine 131 with proline.
Molecular consequence: missense variant.
Genome position (GRCh38, 1-based): chr9:137,716,931, G>C. VCF-style: chr9-137716931-G-C. GRCh37 (hg19) VCF-style: chr9-140611383-G-C.
Other names: c.391G>C, p.Ala131Pro (NM_001145527.2, NM_001354263.2, NM_001354611.2); c.298G>C, p.Ala100Pro (NM_001354259.2, NM_001354612.2); short protein forms A100P, A131P.
Identifiers: ClinVar variation 1580642 (VCV001580642.11), dbSNP rs990229301, ClinGen allele CA201802128.